The following is an entry in ClinVar:

ClinVar aggregate classification (germline): Uncertain significance. Review status: criteria provided, multiple submitters, no conflicts (2 of 4 stars). 5 submissions from 3 submitters: Uncertain significance (5). Last evaluated 2026-02-18.

Conditions:
Marden-Walker syndrome (MWKS). Also called: Connective tissue disorder Marden Walker type. Identifiers: Orphanet 2461, MedGen C0796033, MONDO:0009564, OMIM 248700.
Gordon syndrome (DA3). Also called: ARTHROGRYPOSIS MULTIPLEX CONGENITA, DISTAL, TYPE IIA; CAMPTODACTYLY, CLEFT PALATE, AND CLUBFOOT; Gordon's syndrome. Identifiers: Orphanet 376, MedGen C0220666, MONDO:0007252, OMIM 114300.
Arthrogryposis, distal, with impaired proprioception and touch (DAIPT). Identifiers: MedGen C4310692, MONDO:0014941, OMIM 617146.

Allele frequency attached by ClinVar (database versions not stated): TOPMed 0.00002; gnomAD 0.00001; gnomAD exomes 0.00003; ExAC 0.00006.
gnomAD v4.1: 26 of 1,537,032 alleles (0.0017%); highest among the groups gnomAD compares: East Asian, 0.0073%; no homozygotes.

Submissions (5):

Dasa
Classification: Uncertain significance. Last evaluated: 2026-02-18. Review status: criteria provided, single submitter. Criteria: DASA Assertion Criteria. Collection method: clinical testing. Allele origin: germline.
Comment: NM_001378183.1(PIEZO2):c.4148C>T (p.Thr1383Met) is a missense variant that results in the substitution of threonine with methionine. This variant is rare in population databases. Computational prediction algorithms are consistent with a benign effect. The currently available literature and clinical evidence are not sufficient to establish a definitive association between this variant and the reported condition. Therefore, this variant is classified as a variant of uncertain significance.

Labcorp Genetics (formerly Invitae), Labcorp
Classification: Uncertain significance. Last evaluated: 2025-01-07. Review status: criteria provided, single submitter. Criteria: Invitae Variant Classification Sherloc (09022015). Collection method: clinical testing. Allele origin: germline.
Comment: This sequence change replaces threonine, which is neutral and polar, with methionine, which is neutral and non-polar, at codon 1358 of the PIEZO2 protein (p.Thr1358Met). This variant is present in population databases (rs777349822, gnomAD 0.02%). This variant has not been reported in the literature in individuals affected with PIEZO2-related conditions. ClinVar contains an entry for this variant (Variation ID: 548506). Invitae Evidence Modeling of protein sequence and biophysical properties (such as structural, functional, and spatial information, amino acid conservation, physicochemical variation, residue mobility, and thermodynamic stability) indicates that this missense variant is not expected to disrupt PIEZO2 protein function with a negative predictive value of 80%. In summary, the available evidence is currently insufficient to determine the role of this variant in disease. Therefore, it has been classified as a Variant of Uncertain Significance.

Genomic Research Center, Shahid Beheshti University of Medical Sciences
Classification: Uncertain significance for Marden-Walker syndrome. Last evaluated: 2018-03-05. Review status: criteria provided, single submitter. Criteria: ACMG Guidelines, 2015. Collection method: clinical testing. Allele origin: inherited. Affected: yes. Observed: 1 variant allele.

Genomic Research Center, Shahid Beheshti University of Medical Sciences
Classification: Uncertain significance for Arthrogryposis, distal, with impaired proprioception and touch. Last evaluated: 2018-03-05. Review status: criteria provided, single submitter. Criteria: ACMG Guidelines, 2015. Collection method: clinical testing. Allele origin: inherited. Affected: yes. Observed: 1 variant allele.

Genomic Research Center, Shahid Beheshti University of Medical Sciences
Classification: Uncertain significance for Gordon syndrome. Last evaluated: 2018-03-05. Review status: criteria provided, single submitter. Criteria: ACMG Guidelines, 2015. Collection method: clinical testing. Allele origin: inherited. Affected: yes. Observed: 1 variant allele.

NM_001378183.1(PIEZO2):c.4148C>T (p.Thr1383Met)

Gene: PIEZO2 (piezo type mechanosensitive ion channel component 2; minus strand). Cytogenetic location: 18p11.22.
Variant type: single nucleotide variant.
Coding change: c.4148C>T on transcript NM_001378183.1 (MANE Select); coding-DNA position 4148, C replaced by T.
Protein change: p.Thr1383Met; replaces threonine 1383 with methionine.
Molecular consequence: missense variant.
Genome position (GRCh38, 1-based): chr18:10,752,655, G>A on the plus strand (C>T on the coding strand, the complement: PIEZO2 is on the minus strand). VCF-style: chr18-10752655-G-A. GRCh37 (hg19) VCF-style: chr18-10752653-G-A.
Other names: c.4073C>T, p.Thr1358Met (NM_022068.4); short protein forms T1358M, T1383M.
Identifiers: ClinVar variation 548506 (VCV000548506.9), dbSNP rs777349822, ClinGen allele CA8892473.